The following is an entry in ClinVar:

ClinVar aggregate classification (germline): Uncertain significance. Review status: criteria provided, multiple submitters, no conflicts (2 of 4 stars). 3 submissions from 3 submitters: Uncertain significance (3). Last evaluated 2024-10-23.

Conditions:
Inborn genetic diseases. Identifiers: MedGen C0950123, MeSH D030342.

Submissions (3):

Blueprint Genetics
Classification: Uncertain significance. Last evaluated: 2024-10-23. Review status: criteria provided, single submitter. Criteria: ACMG Guidelines, 2015. Collection method: clinical testing. Allele origin: germline.

Ambry Genetics
Classification: Uncertain significance for Inborn genetic diseases. Last evaluated: 2024-10-19. Review status: criteria provided, single submitter. Criteria: Ambry Variant Classification Scheme 2023. Collection method: clinical testing. Allele origin: germline.

Labcorp Genetics (formerly Invitae), Labcorp
Classification: Uncertain significance. Last evaluated: 2024-06-05. Review status: criteria provided, single submitter. Criteria: Invitae Variant Classification Sherloc (09022015). Collection method: clinical testing. Allele origin: germline.
Comment: This sequence change replaces leucine, which is neutral and non-polar, with phenylalanine, which is neutral and non-polar, at codon 83 of the PDE6B protein (p.Leu83Phe). This variant is present in population databases (rs141729573, gnomAD 0.004%). This variant has not been reported in the literature in individuals affected with PDE6B-related conditions. Advanced modeling of protein sequence and biophysical properties (such as structural, functional, and spatial information, amino acid conservation, physicochemical variation, residue mobility, and thermodynamic stability) has been performed at Invitae for this missense variant, however the output from this modeling did not meet the statistical confidence thresholds required to predict the impact of this variant on PDE6B protein function. In summary, the available evidence is currently insufficient to determine the role of this variant in disease. Therefore, it has been classified as a Variant of Uncertain Significance.

NM_000283.4(PDE6B):c.247C>T (p.Leu83Phe)

Gene: PDE6B (phosphodiesterase 6B; plus strand). Cytogenetic location: 4p16.3.
Variant type: single nucleotide variant.
Coding change: c.247C>T on transcript NM_000283.4 (MANE Select); coding-DNA position 247, C replaced by T.
Protein change: p.Leu83Phe; replaces leucine 83 with phenylalanine.
Molecular consequence: missense variant.
Genome position (GRCh38, 1-based): chr4:625,873, C>T. VCF-style: chr4-625873-C-T. GRCh37 (hg19) VCF-style: chr4-619662-C-T.
Other names: c.247C>T, p.Leu83Phe (NM_001145291.2); short protein forms L83F.
Identifiers: ClinVar variation 3416286 (VCV003416286.4).